The following is an entry in ClinVar:

NM_001754.5(RUNX1):c.1176G>A (p.Gln392=)

Gene: RUNX1 (RUNX family transcription factor 1; minus strand). Cytogenetic location: 21q22.12.
Variant type: single nucleotide variant.
Coding change: c.1176G>A on transcript NM_001754.5 (MANE Select); coding-DNA position 1176, G replaced by A.
Protein change: p.Gln392=; no amino-acid change (glutamine 392 retained).
Molecular consequence: synonymous variant.
Genome position (GRCh38, 1-based): chr21:34,792,402, C>T on the plus strand (G>A on the coding strand, the complement: RUNX1 is on the minus strand). VCF-style: chr21-34792402-C-T. GRCh37 (hg19) VCF-style: chr21-36164699-C-T.
Other names: NM_001754.5(RUNX1):c.1176G>A; p.Gln392=; c.1095G>A, p.Gln365= (NM_001001890.3); c.1176G>A (NM_001754.4).
Identifiers: ClinVar variation 1091071 (VCV001091071.11), dbSNP rs1432531187, ClinGen allele CA512341248.
Genomic context (GRCh38, chr21:34,792,402, plus strand): 5'-GCCGGCCGAGGCGCCGTAGTACAGGTGGTAGGAGGGCGAGCTGGCTTGGAACGGGCCTCC[C>T]TGCGCTTGCGACGAGCCGGGGTAGGGCGGCGGCAGGTAGGTGTGGTAGCGCGTGGCCGAG-3'
Protein context (NP_001745.2, residues 382-402): PPPYPGSSQA[Gln392=]GGPFQASSPS

ClinVar aggregate classification (germline): Likely benign. Review status: reviewed by expert panel (3 of 4 stars). 3 submissions from 3 submitters: Likely benign (1). 2 of the submissions do not count toward it. Last evaluated 2022-01-22.

Conditions:
Hereditary thrombocytopenia and hematologic cancer predisposition syndrome. Identifiers: Orphanet 71290, MedGen CN281654, MONDO:0011071.
Inborn genetic diseases. Identifiers: MedGen C0950123, MeSH D030342.
Hereditary thrombocytopenia and hematological cancer predisposition syndrome associated with RUNX1. Also called: PLATELET DISORDER, ASPIRIN-LIKE; RUNX1 Familial Platelet Disorder with Associated Myeloid Malignancies; Familial Platelet Disorder with Propensity to Acute Myelogenous Leukemia; Familial thrombocytopenia with propensity to acute myelogenous leukemia. Identifiers: Orphanet 71290, MedGen C1832388, MeSH C563324, MONDO:0100083, OMIM 601399.

Allele frequency attached by ClinVar (database versions not stated): gnomAD exomes below 0.00001.
gnomAD v4.1: 1 of 1,566,620 alleles (0.000064%); highest among the groups gnomAD compares: Admixed American, 0.0019%; no homozygotes.

Submissions (3):

ClinGen Myeloid Malignancy Variant Curation Expert Panel
Classification: Likely benign for Hereditary thrombocytopenia and hematologic cancer predisposition syndrome. Last evaluated: 2022-01-22. Review status: reviewed by expert panel. Criteria: ClinGen MyeloMalig ACMG Specifications v2. Collection method: curation. Allele origin: germline. Inheritance: Autosomal dominant inheritance.
Comment: The variant NM_001754.5(RUNX1):c.1176G>A (p.Gln392=) is a synonymous variant. As this is a synonymous variant, there is no REVEL score however SpliceAI is ≤0.20 (0.00) (BP4). The PhyloP score is <2.0 (0.869) (BP7). In summary, this variant meets criteria to be classified as likely benign. ACMG/AMP criteria applied, as specified by the Myeloid Malignancy Variant Curation Expert Panel for RUNX1: BP4, BP7

Ambry Genetics
Classification: Likely benign for Inborn genetic diseases. Last evaluated: 2025-01-23. Review status: criteria provided, single submitter. Criteria: Ambry Variant Classification Scheme 2023. Collection method: clinical testing. Allele origin: germline. Not counted in ClinVar's aggregate classification.

Labcorp Genetics (formerly Invitae), Labcorp
Classification: Likely benign for Hereditary thrombocytopenia and hematological cancer predisposition syndrome associated with RUNX1. Last evaluated: 2023-06-26. Review status: criteria provided, single submitter. Criteria: Invitae Variant Classification Sherloc (09022015). Collection method: clinical testing. Allele origin: germline. Not counted in ClinVar's aggregate classification.